The following is an entry in ClinVar:

NM_024312.5(GNPTAB):c.964C>T (p.Arg322Cys)

Gene: GNPTAB (N-acetylglucosamine-1-phosphate transferase subunits alpha and beta; minus strand). Cytogenetic location: 12q23.2.
Variant type: single nucleotide variant.
Coding change: c.964C>T on transcript NM_024312.5 (MANE Select); coding-DNA position 964, C replaced by T.
Protein change: p.Arg322Cys; replaces arginine 322 with cysteine.
Molecular consequence: missense variant.
Genome position (GRCh38, 1-based): chr12:101,770,555, G>A on the plus strand (C>T on the coding strand, the complement: GNPTAB is on the minus strand). VCF-style: chr12-101770555-G-A. GRCh37 (hg19) VCF-style: chr12-102164333-G-A.
Other names: short protein forms R322C.
Identifiers: ClinVar variation 1302156 (VCV001302156.2), dbSNP rs2137124252, ClinGen allele CA386303333.
Genomic context (GRCh38, chr12:101,770,555, plus strand): 5'-ATGGTGCATGCCTCTCGATAGATCGCAATGAGTACCTCAGTTCTTCGTTATCTTCAAAAC[G>A]ACTGGCAGAGATGTCTTCATCCTGCTTAGACTGAGAAAAACACTTGGCATATGAAGATGT-3'
Protein context (NP_077288.2, residues 312-332): SKQDEDISAS[Arg322Cys]FEDNEELRYS

ClinVar aggregate classification (germline): Uncertain significance (1 of 4 stars; one submission).

Allele frequency attached by ClinVar (database versions not stated): gnomAD exomes below 0.00001.
gnomAD v4.1: 2 of 1,613,448 alleles (0.00012%); highest among the groups gnomAD compares: South Asian, 0.0011%; no homozygotes.

Submission:

GeneDx
Classification: Uncertain significance. Last evaluated: 2019-06-27. Review status: criteria provided, single submitter. Criteria: GeneDx Variant Classification Process June 2021. Collection method: clinical testing. Allele origin: germline. Affected: yes.
Comment: Not observed in large population cohorts (Lek et al., 2016); In silico analysis, which includes protein predictors and evolutionary conservation, supports a deleterious effect; Has not been previously published as pathogenic or benign to our knowledge